The following is an entry in ClinVar:

ClinVar aggregate classification (germline): Uncertain significance (1 of 4 stars; one submission).

Allele frequency attached by ClinVar (database versions not stated): 1000 Genomes Project 30x 0.00031.
gnomAD v4.1: 7 of 1,261,142 alleles (0.00056%); highest among the groups gnomAD compares: South Asian, 0.021%; no homozygotes.

Submission:

Labcorp Genetics (formerly Invitae), Labcorp
Classification: Uncertain significance. Last evaluated: 2021-08-31. Review status: criteria provided, single submitter. Criteria: Invitae Variant Classification Sherloc (09022015). Collection method: clinical testing. Allele origin: germline.
Comment: This sequence change replaces proline with arginine at codon 291 of the HMX1 protein (p.Pro291Arg). The proline residue is moderately conserved and there is a moderate physicochemical difference between proline and arginine. The frequency data for this variant in the population databases is considered unreliable, as metrics indicate insufficient coverage at this position in the ExAC database. This variant has not been reported in the literature in individuals affected with HMX1-related conditions. Algorithms developed to predict the effect of missense changes on protein structure and function are either unavailable or do not agree on the potential impact of this missense change (SIFT: "Deleterious"; PolyPhen-2: "Benign"; Align-GVGD: "Class C0"). In summary, the available evidence is currently insufficient to determine the role of this variant in disease. Therefore, it has been classified as a Variant of Uncertain Significance.

NM_018942.3(HMX1):c.872C>G (p.Pro291Arg)

Gene: HMX1 (H6 family homeobox 1; minus strand). Cytogenetic location: 4p16.1.
Variant type: single nucleotide variant.
Coding change: c.872C>G on transcript NM_018942.3 (MANE Select); coding-DNA position 872, C replaced by G.
Protein change: p.Pro291Arg; replaces proline 291 with arginine.
Molecular consequence: missense variant. On other transcripts: intron variant (1).
Genome position (GRCh38, 1-based): chr4:8,867,868, G>C on the plus strand (C>G on the coding strand, the complement: HMX1 is on the minus strand). VCF-style: chr4-8867868-G-C. GRCh37 (hg19) VCF-style: chr4-8869594-G-C.
Other names: c.394+3353C>G (NM_001306142.2); short protein forms P291R.
Identifiers: ClinVar variation 1487397 (VCV001487397.5), dbSNP rs746059506, ClinGen allele CA356277610.